The following is an entry in ClinVar:

ClinVar aggregate classification (germline): Uncertain significance (1 of 4 stars; one submission).

Conditions:
Tuberous sclerosis 1 (TSC1). Identifiers: Orphanet 805, MedGen C1854465, MONDO:0008612, OMIM 191100.

Submission:

Labcorp Genetics (formerly Invitae), Labcorp
Classification: Uncertain significance for Tuberous sclerosis 1. Last evaluated: 2018-05-30. Review status: criteria provided, single submitter. Criteria: Invitae Variant Classification Sherloc (09022015). Collection method: clinical testing. Allele origin: germline.
Comment: This variant, c.1410_1412delAGA, results in the deletion of 1 amino acid of the TSC1 protein (p.Glu470del), but otherwise preserves the integrity of the reading frame. This variant is not present in population databases (ExAC no frequency). This variant has not been reported in the literature in individuals with TSC1-related disease. Experimental studies and prediction algorithms are not available for this variant, and the functional significance of the deleted amino acid is currently unknown. In summary, the available evidence is currently insufficient to determine the role of this variant in disease. Therefore, it has been classified as a Variant of Uncertain Significance.

NM_000368.5(TSC1):c.1407AGA[1] (p.Glu470del)

Gene: TSC1 (TSC complex subunit 1; minus strand). Cytogenetic location: 9q34.13.
Variant type: Microsatellite.
Coding change: c.1407AGA[1] on transcript NM_000368.5 (MANE Select); one copy of the 3-base unit AGA starting at c.1407; the reference has two copies in a row; one copy, 3 bases deleted.
Protein change: p.Glu470del; deletes glutamic acid 470.
Molecular consequence: inframe deletion.
Genome position (GRCh38, 1-based): chr9:132,906,757-132,906,759, TCT deleted on the plus strand (AGA on the coding strand, the reverse complement: TSC1 is on the minus strand); deleting any 3 consecutive bases within chr9:132,906,757-132,906,764 gives the same sequence; the position shown is the placement nearest the transcript's 3' end. VCF-style (leftmost placement, unchanged base first): chr9-132906756-ATCT-A. GRCh37 (hg19) VCF-style: chr9-135782143-ATCT-A.
Other names: c.1404AGA[1], p.Glu469del (NM_001162426.2); c.1254AGA[1], p.Glu419del (NM_001162427.2); c.1044AGA[1], p.Glu349del (NM_001362177.2); c.1410_1412delAGA (NM_000368.4); short protein forms E470del, E349del, E419del, E469del.
Identifiers: ClinVar variation 577133 (VCV000577133.8), dbSNP rs1564483296, ClinGen allele CA891843442.